The following is an entry in ClinVar:

ClinVar aggregate classification (germline): Uncertain significance (1 of 4 stars; one submission).

Conditions:
Dilated cardiomyopathy 1G (CMD1G). Identifiers: Orphanet 154, MedGen C1858763, MONDO:0011400, OMIM 604145.
Autosomal recessive limb-girdle muscular dystrophy type 2J (LGMDR10). Also called: Limb-girdle muscular dystrophy, type 2J; MUSCULAR DYSTROPHY, LIMB-GIRDLE, AUTOSOMAL RECESSIVE 10. Identifiers: Orphanet 140922, MedGen C1837342, MONDO:0012127, OMIM 608807.

Submission:

Labcorp Genetics (formerly Invitae), Labcorp
Classification: Uncertain significance for Dilated cardiomyopathy 1G; Autosomal recessive limb-girdle muscular dystrophy type 2J. Last evaluated: 2025-11-25. Review status: criteria provided, single submitter. Criteria: Invitae Variant Classification Sherloc (09022015). Collection method: clinical testing. Allele origin: germline.
Comment: This sequence change replaces glutamic acid, which is acidic and polar, with glutamine, which is neutral and polar, at codon 13626 of the TTN protein (p.Glu13626Gln). This variant also falls at the last nucleotide of exon 223, which is part of the consensus splice site for this exon. This variant is not present in population databases (gnomAD no frequency). This variant has not been reported in the literature in individuals affected with TTN-related conditions. ClinVar contains an entry for this variant (Variation ID: 2950967). Experimental studies and prediction algorithms are not available or were not evaluated, and the functional significance of this variant is currently unknown. Variants that disrupt the consensus splice site are a relatively common cause of aberrant splicing (PMID: 17576681, 9536098). Algorithms developed to predict the effect of sequence changes on RNA splicing suggest that this variant may disrupt the consensus splice site. This variant is located in the I band of TTN (PMID: 25589632). Non-truncating variants in this region may be clinically relevant, but have not been definitively shown to cause cardiomyopathy or neuromuscular disease (PMID: 27493940, 32778822). In summary, the available evidence is currently insufficient to determine the role of this variant in disease. Therefore, it has been classified as a Variant of Uncertain Significance.

Literature cited by the submitters: PubMed 17576681; PubMed 9536098; PubMed 25589632; PubMed 27493940; PubMed 32778822.

NM_001267550.2(TTN):c.40876G>C (p.Glu13626Gln)

Gene: TTN (titin; minus strand). Cytogenetic location: 2q31.2.
Variant type: single nucleotide variant.
Coding change: c.40876G>C on transcript NM_001267550.2 (MANE Select); coding-DNA position 40876, G replaced by C.
Protein change: p.Glu13626Gln; replaces glutamic acid 13626 with glutamine.
Molecular consequence: missense variant.
Genome position (GRCh38, 1-based): chr2:178,639,699, C>G on the plus strand (G>C on the coding strand, the complement: TTN is on the minus strand). VCF-style: chr2-178639699-C-G. GRCh37 (hg19) VCF-style: chr2-179504426-C-G.
Other names: c.35953G>C, p.Glu11985Gln (NM_001256850.1); c.13681G>C, p.Glu4561Gln (NM_003319.4); c.33172G>C, p.Glu11058Gln (NM_133378.4); c.14056G>C, p.Glu4686Gln (NM_133432.3); c.14257G>C, p.Glu4753Gln (NM_133437.4); short protein forms E11058Q, E11985Q, E13626Q, E4686Q, E4561Q, E4753Q.
Identifiers: ClinVar variation 2950967 (VCV002950967.3), dbSNP rs2471751906, ClinGen allele CA349662325.